The following is an entry in ClinVar:

NM_182493.3(MYLK3):c.520G>A (p.Val174Met)

Gene: MYLK3 (myosin light chain kinase 3; minus strand). Cytogenetic location: 16q11.2.
Variant type: single nucleotide variant.
Coding change: c.520G>A on transcript NM_182493.3 (MANE Select); coding-DNA position 520, G replaced by A.
Protein change: p.Val174Met; replaces valine 174 with methionine.
Molecular consequence: missense variant. On other transcripts: 5 prime UTR variant (1).
Genome position (GRCh38, 1-based): chr16:46,740,105, C>T on the plus strand (G>A on the coding strand, the complement: MYLK3 is on the minus strand). VCF-style: chr16-46740105-C-T. GRCh37 (hg19) VCF-style: chr16-46774017-C-T.
Other names: c.-71G>A (NM_001308301.1); short protein forms V174M.
Identifiers: ClinVar variation 2119197 (VCV002119197.4), dbSNP rs771275894, ClinGen allele CA395795967.

ClinVar aggregate classification (germline): Uncertain significance (1 of 4 stars; one submission).

Submission:

Labcorp Genetics (formerly Invitae), Labcorp
Classification: Uncertain significance. Last evaluated: 2022-03-29. Review status: criteria provided, single submitter. Criteria: Invitae Variant Classification Sherloc (09022015). Collection method: clinical testing. Allele origin: germline.
Comment: Algorithms developed to predict the effect of missense changes on protein structure and function are either unavailable or do not agree on the potential impact of this missense change (SIFT: "Tolerated"; PolyPhen-2: "Possibly Damaging"; Align-GVGD: "Class C0"). This sequence change replaces valine, which is neutral and non-polar, with methionine, which is neutral and non-polar, at codon 174 of the MYLK3 protein (p.Val174Met). This variant is not present in population databases (gnomAD no frequency). This variant has not been reported in the literature in individuals affected with MYLK3-related conditions. In summary, the available evidence is currently insufficient to determine the role of this variant in disease. Therefore, it has been classified as a Variant of Uncertain Significance.